The following is an entry in ClinVar:

ClinVar aggregate classification (germline): Likely benign. Review status: criteria provided, single submitter (1 of 4 stars). 2 submissions from 2 submitters: Likely benign (1). 1 of the submissions does not count toward it. Last evaluated 2024-02-28.

Conditions:
MSRB3-related disorder. Also called: MSRB3-related condition.

Allele frequency attached by ClinVar (database versions not stated): TOPMed below 0.00001; gnomAD exomes 0.00001; gnomAD 0.00002.
gnomAD v4.1: 28 of 1,613,922 alleles (0.0017%); highest among the groups gnomAD compares: Middle Eastern, 0.033%; no homozygotes.

Submissions (2):

Labcorp Genetics (formerly Invitae), Labcorp
Classification: Likely benign. Last evaluated: 2024-02-28. Review status: criteria provided, single submitter. Criteria: Invitae Variant Classification Sherloc (09022015). Collection method: clinical testing. Allele origin: germline.

PreventionGenetics, part of Exact Sciences
Classification: Likely benign for MSRB3-related condition. Last evaluated: 2019-07-02. Review status: no assertion criteria provided. Collection method: clinical testing. Allele origin: germline. Not counted in ClinVar's aggregate classification.
Comment: This variant is classified as likely benign based on ACMG/AMP sequence variant interpretation guidelines (Richards et al. 2015 PMID: 25741868, with internal and published modifications).

NM_001031679.3(MSRB3):c.148C>T (p.Leu50=)

Gene: MSRB3 (methionine sulfoxide reductase B3; plus strand). Cytogenetic location: 12q14.3.
Variant type: single nucleotide variant.
Coding change: c.148C>T on transcript NM_001031679.3 (MANE Select); coding-DNA position 148, C replaced by T.
Protein change: p.Leu50=; no amino-acid change (leucine 50 retained).
Molecular consequence: synonymous variant.
Genome position (GRCh38, 1-based): chr12:65,326,897, C>T. VCF-style: chr12-65326897-C-T. GRCh37 (hg19) VCF-style: chr12-65720677-C-T.
Other names: c.148C>T, p.Leu50= (NM_001193460.2, NM_001193461.2); c.169C>T, p.Leu57= (NM_198080.4).
Identifiers: ClinVar variation 3042554 (VCV003042554.4), dbSNP rs376202605, ClinGen allele CA238924252.
Genomic context (GRCh38, chr12:65,326,897, plus strand): 5'-GATAAAAAGAACTGTAAGGTGGTCTTTTCCCAGCAGGAACTGAGGAAGCGGCTAACACCC[C>T]TGCAGTACCATGTCACTCAGGAGAAAGGGACCGAAAGGTAAGGTGAGCTTTAATAAAAAG-3'
Protein context (NP_001026849.1, residues 40-60): QQELRKRLTP[Leu50=]QYHVTQEKGT